The following is an entry in ClinVar:

ClinVar aggregate classification (germline): Pathogenic (1 of 4 stars; one submission).

Submission:

Labcorp Genetics (formerly Invitae), Labcorp
Classification: Pathogenic. Last evaluated: 2025-02-10. Review status: criteria provided, single submitter. Criteria: Invitae Variant Classification Sherloc (09022015). Collection method: clinical testing. Allele origin: germline.
Comment: This sequence change creates a premature translational stop signal (p.Tyr79Metfs*32) in the LIFR gene. It is expected to result in an absent or disrupted protein product. Loss-of-function variants in LIFR are known to be pathogenic (PMID: 14740318). This variant is not present in population databases (gnomAD no frequency). This variant has not been reported in the literature in individuals affected with LIFR-related conditions. For these reasons, this variant has been classified as Pathogenic.

Literature cited by the submitters: PubMed 14740318.

NM_001127671.2(LIFR):c.235del (p.Tyr79fs)

Gene: LIFR (LIF receptor subunit alpha; minus strand). Cytogenetic location: 5p13.1.
Variant type: Deletion.
Coding change: c.235del on transcript NM_001127671.2 (MANE Select); coding-DNA position 235, one base deleted (T; older notation c.235delT).
Protein change: p.Tyr79fs; shifts the reading frame from tyrosine 79.
Molecular consequence: frameshift variant.
Genome position (GRCh38, 1-based): chr5:38,528,748, A deleted on the plus strand (T on the coding strand, the reverse complement: LIFR is on the minus strand); the first of 2 consecutive A bases (chr5:38,528,748-38,528,749); deleting either gives the same sequence. VCF-style (leftmost placement, unchanged base first): chr5-38528747-TA-T. GRCh37 (hg19) VCF-style: chr5-38528849-TA-T.
Other names: c.235del, p.Tyr79fs (NM_001364297.2, NM_001364298.2, NM_002310.6); short protein forms Y79fs.
Identifiers: ClinVar variation 4712782 (VCV004712782.1).